The following is an entry in ClinVar:

ClinVar aggregate classification (germline): Uncertain significance (1 of 4 stars; one submission).

Submission:

GeneDx
Classification: Uncertain significance. Last evaluated: 2025-07-18. Review status: criteria provided, single submitter. Criteria: GeneDx Variant Classification Process June 2021. Collection method: clinical testing. Allele origin: germline. Affected: yes.
Comment: Not observed at significant frequency in large population cohorts (gnomAD); In silico analysis suggests that this missense variant does not alter protein structure/function; Has not been previously published as pathogenic or benign to our knowledge

NM_001378609.3(OTOGL):c.6537T>A (p.Ser2179Arg)

Gene: OTOGL (otogelin like; plus strand). Cytogenetic location: 12q21.31.
Variant type: single nucleotide variant.
Coding change: c.6537T>A on transcript NM_001378609.3 (MANE Select); coding-DNA position 6537, T replaced by A.
Protein change: p.Ser2179Arg; replaces serine 2179 with arginine.
Molecular consequence: missense variant.
Genome position (GRCh38, 1-based): chr12:80,368,231, T>A. VCF-style: chr12-80368231-T-A. GRCh37 (hg19) VCF-style: chr12-80762011-T-A.
Other names: c.6402T>A, p.Ser2134Arg (NM_001368062.3); c.6537T>A, p.Ser2179Arg (NM_001378610.3, NM_173591.7); short protein forms S2134R, S2179R.
Identifiers: ClinVar variation 4686430 (VCV004686430.1).